The following is an entry in ClinVar:

NM_005359.6(SMAD4):c.408T>C (p.Val136=)

Gene: SMAD4 (SMAD family member 4; plus strand). Cytogenetic location: 18q21.2.
Variant type: single nucleotide variant.
Coding change: c.408T>C on transcript NM_005359.6 (MANE Select); coding-DNA position 408, T replaced by C.
Protein change: p.Val136=; no amino-acid change (valine 136 retained).
Molecular consequence: synonymous variant.
Genome position (GRCh38, 1-based): chr18:51,048,844, T>C. VCF-style: chr18-51048844-T-C. GRCh37 (hg19) VCF-style: chr18-48575214-T-C.
Identifiers: ClinVar variation 706604 (VCV000706604.17), dbSNP rs1283790116, ClinGen allele CA503873627.
Genomic context (GRCh38, chr18:51,048,844, plus strand): 5'-GTATGCGTTTGACTTAAAATGTGATAGTGTCTGTGTGAATCCATATCACTACGAACGAGT[T>C]GTATCACCTGGAATTGGTAAGTAGACTTTGCTTTCATCCTAAGAAACATAAAGGGAAAAG-3'
Protein context (NP_005350.1, residues 126-146): VCVNPYHYER[Val136=]VSPGIDLSGL

ClinVar aggregate classification (germline): Benign/Likely benign. Review status: criteria provided, multiple submitters, no conflicts (2 of 4 stars). 4 submissions from 4 submitters: Benign (1); Likely benign (3). Last evaluated 2025-12-24.

Conditions:
Hereditary cancer-predisposing syndrome. Also called: Hereditary neoplastic syndrome; Neoplastic Syndromes, Hereditary; Tumor predisposition; Hereditary Cancer Syndrome. Identifiers: Orphanet 140162, MedGen C0027672, MeSH D009386, MONDO:0015356.
Familial thoracic aortic aneurysm and aortic dissection (TAAD). Also called: Thoracic aortic aneurysms and dissections. Identifiers: Orphanet 91387, MedGen C4707243, MONDO:0019625.
Juvenile polyposis syndrome (JPS). Identifiers: Orphanet 2929, MedGen C0345893, MONDO:0017380, OMIM 174900.
Juvenile polyposis/hereditary hemorrhagic telangiectasia syndrome (JPHT). Also called: Juvenile Polyposis Syndrome / Hereditary Hemorrhagic Telangiectasia (JPS/HHT); JP/HHT SYNDROME; JUVENILE POLYPOSIS WITH HEREDITARY HEMORRHAGIC TELANGIECTASIA; POLYPOSIS, GENERALIZED JUVENILE, WITH PULMONARY ARTERIOVENOUS MALFORMATION; TELANGIECTASIA, HEREDITARY HEMORRHAGIC, WITH JUVENILE POLYPOSIS COLI. Identifiers: Orphanet 2929, MedGen C1832942, MONDO:0008278, OMIM 175050.

Allele frequency attached by ClinVar (database versions not stated): gnomAD exomes below 0.00001; gnomAD 0.00001; TOPMed 0.00001.
gnomAD v4.1: 2 of 1,613,612 alleles (0.00012%); highest among the groups gnomAD compares: African/African-American, 0.0027%; no homozygotes.

Submissions (4):

Labcorp Genetics (formerly Invitae), Labcorp
Classification: Likely benign for Juvenile polyposis syndrome. Last evaluated: 2025-12-24. Review status: criteria provided, single submitter. Criteria: Invitae Variant Classification Sherloc (09022015). Collection method: clinical testing. Allele origin: germline.

Myriad Genetics, Inc.
Classification: Benign for Juvenile polyposis/hereditary hemorrhagic telangiectasia syndrome. Last evaluated: 2025-03-18. Review status: criteria provided, single submitter. Criteria: Myriad Autosomal Dominant, Autosomal Recessive and X-Linked Classification Criteria (2023). Collection method: clinical testing. Allele origin: unknown.
Comment: This variant is considered benign. This variant is a silent/synonymous amino acid change and it is not expected to impact splicing.

All of Us Research Program, National Institutes of Health
Classification: Likely benign for Juvenile polyposis/hereditary hemorrhagic telangiectasia syndrome. Last evaluated: 2023-02-24. Review status: criteria provided, single submitter. Criteria: ACMG Guidelines, 2015. Collection method: clinical testing. Allele origin: germline. Inheritance: Autosomal dominant inheritance. Observed: 1 variant allele, 1 heterozygote.
Comment: This study involves interpretation of variants in research participants for the purpose of population health screening. Participant phenotype was not available at the time of variant classification. Additional details can be found in publication PMID: 35346344, PMCID: PMC8962531

Ambry Genetics
Classification: Likely benign for Hereditary cancer-predisposing syndrome; Familial thoracic aortic aneurysm and aortic dissection. Last evaluated: 2018-03-08. Review status: criteria provided, single submitter. Criteria: Ambry Variant Classification Scheme 2023. Collection method: clinical testing. Allele origin: germline.